The following is an entry in ClinVar:

NM_005739.4(RASGRP1):c.1126G>A (p.Gly376Arg)

Gene: RASGRP1 (RAS guanyl releasing protein 1; minus strand). Cytogenetic location: 15q14.
Variant type: single nucleotide variant.
Coding change: c.1126G>A on transcript NM_005739.4 (MANE Select); coding-DNA position 1126, G replaced by A.
Protein change: p.Gly376Arg; replaces glycine 376 with arginine.
Molecular consequence: missense variant.
Genome position (GRCh38, 1-based): chr15:38,507,842, C>T on the plus strand (G>A on the coding strand, the complement: RASGRP1 is on the minus strand). VCF-style: chr15-38507842-C-T. GRCh37 (hg19) VCF-style: chr15-38800043-C-T.
Other names: c.1126G>A, p.Gly376Arg (NM_001128602.2, NM_001306086.2); short protein forms G376R.
Identifiers: ClinVar variation 2979512 (VCV002979512.1), dbSNP rs747191064, ClinGen allele CA7470956.

ClinVar aggregate classification (germline): Uncertain significance (1 of 4 stars; one submission).

Allele frequency attached by ClinVar (database versions not stated): TOPMed 0.00003; gnomAD exomes 0.00004; ExAC 0.00005; gnomAD 0.00006.
gnomAD v4.1: 72 of 1,613,420 alleles (0.0045%); highest among the groups gnomAD compares: Admixed American, 0.02%; no homozygotes.

Submission:

Labcorp Genetics (formerly Invitae), Labcorp
Classification: Uncertain significance. Last evaluated: 2023-11-04. Review status: criteria provided, single submitter. Criteria: Invitae Variant Classification Sherloc (09022015). Collection method: clinical testing. Allele origin: germline.
Comment: This sequence change replaces glycine, which is neutral and non-polar, with arginine, which is basic and polar, at codon 376 of the RASGRP1 protein (p.Gly376Arg). This variant is present in population databases (rs747191064, gnomAD 0.01%). This variant has not been reported in the literature in individuals affected with RASGRP1-related conditions. Advanced modeling of protein sequence and biophysical properties (such as structural, functional, and spatial information, amino acid conservation, physicochemical variation, residue mobility, and thermodynamic stability) performed at Invitae indicates that this missense variant is not expected to disrupt RASGRP1 protein function with a negative predictive value of 80%. In summary, the available evidence is currently insufficient to determine the role of this variant in disease. Therefore, it has been classified as a Variant of Uncertain Significance.